The following is an entry in ClinVar:

ClinVar aggregate classification (germline): Uncertain significance (1 of 4 stars; one submission).

Allele frequency attached by ClinVar (database versions not stated): ExAC 0.00001; 1000 Genomes Project 30x 0.00031; TOPMed 0.00001; gnomAD exomes 0.00002; 1000 Genomes Project 0.00020.
gnomAD v4.1: 7 of 1,614,042 alleles (0.00043%); highest among the groups gnomAD compares: Admixed American, 0.012%; no homozygotes.

Submission:

Labcorp Genetics (formerly Invitae), Labcorp
Classification: Uncertain significance. Last evaluated: 2022-02-27. Review status: criteria provided, single submitter. Criteria: Invitae Variant Classification Sherloc (09022015). Collection method: clinical testing. Allele origin: germline.
Comment: This sequence change replaces tyrosine, which is neutral and polar, with asparagine, which is neutral and polar, at codon 416 of the TTC37 protein (p.Tyr416Asn). This variant is present in population databases (rs537959772, gnomAD 0.01%). This variant has not been reported in the literature in individuals affected with TTC37-related conditions. Algorithms developed to predict the effect of missense changes on protein structure and function (SIFT, PolyPhen-2, Align-GVGD) all suggest that this variant is likely to be tolerated. Algorithms developed to predict the effect of sequence changes on RNA splicing suggest that this variant may disrupt the consensus splice site. In summary, the available evidence is currently insufficient to determine the role of this variant in disease. Therefore, it has been classified as a Variant of Uncertain Significance.

NM_014639.4(SKIC3):c.1246T>A (p.Tyr416Asn)

Gene: SKIC3 (SKI3 subunit of superkiller complex; minus strand). Cytogenetic location: 5q15.
Variant type: single nucleotide variant.
Coding change: c.1246T>A on transcript NM_014639.4 (MANE Select); coding-DNA position 1246, T replaced by A.
Protein change: p.Tyr416Asn; replaces tyrosine 416 with asparagine.
Molecular consequence: missense variant.
Genome position (GRCh38, 1-based): chr5:95,525,477, A>T on the plus strand (T>A on the coding strand, the complement: SKIC3 is on the minus strand). VCF-style: chr5-95525477-A-T. GRCh37 (hg19) VCF-style: chr5-94861181-A-T.
Other names: short protein forms Y416N.
Identifiers: ClinVar variation 1368294 (VCV001368294.3), dbSNP rs537959772, ClinGen allele CA3347373.